The following is an entry in ClinVar:

NM_001276270.2(MBD4):c.395G>C (p.Gly132Ala)

Gene: MBD4 (methyl-CpG binding domain 4, DNA glycosylase; minus strand). Cytogenetic location: 3q21.3.
Variant type: single nucleotide variant.
Coding change: c.395G>C on transcript NM_001276270.2 (MANE Select); coding-DNA position 395, G replaced by C.
Protein change: p.Gly132Ala; replaces glycine 132 with alanine.
Molecular consequence: missense variant. On other transcripts: intron variant (1).
Genome position (GRCh38, 1-based): chr3:129,437,249, C>G on the plus strand (G>C on the coding strand, the complement: MBD4 is on the minus strand). VCF-style: chr3-129437249-C-G. GRCh37 (hg19) VCF-style: chr3-129156092-C-G.
Other names: c.395G>C, p.Gly132Ala (NM_001276271.2, NM_001276272.2, NM_003925.3); c.247+559G>C (NM_001276273.2); short protein forms G132A.
Identifiers: ClinVar variation 3643665 (VCV003643665.2).
Genomic context (GRCh38, chr3:129,437,249, plus strand): 5'-TTGATACCCCTTTTAGAAAGTACAGTAAAATCAAAATCTTCTGGCTTAAGAGAAGTCTCT[C>G]CATTTTTGTGAAGATAATTAGCAAGTGAACTTTTGGATCTGAACTTCAGTCCTTGTGGGC-3'
Protein context (NP_001263199.1, residues 122-142): SSLANYLHKN[Gly132Ala]ETSLKPEDFD

ClinVar aggregate classification (germline): Uncertain significance (1 of 4 stars; one submission).

Submission:

Labcorp Genetics (formerly Invitae), Labcorp
Classification: Uncertain significance. Last evaluated: 2024-03-01. Review status: criteria provided, single submitter. Criteria: Invitae Variant Classification Sherloc (09022015). Collection method: clinical testing. Allele origin: germline.
Comment: This sequence change replaces glycine, which is neutral and non-polar, with alanine, which is neutral and non-polar, at codon 132 of the MBD4 protein (p.Gly132Ala). This variant is not present in population databases (gnomAD no frequency). This variant has not been reported in the literature in individuals affected with MBD4-related conditions. An algorithm developed to predict the effect of missense changes on protein structure and function (PolyPhen-2) suggests that this variant is likely to be disruptive. In summary, the available evidence is currently insufficient to determine the role of this variant in disease. Therefore, it has been classified as a Variant of Uncertain Significance.